The following is an entry in ClinVar:

NM_001753.5(CAV1):c.194A>C (p.Lys65Thr)

Genes: CAV1 (caveolin 1; plus strand), LOC129999169 (ATAC-STARR-seq lymphoblastoid silent region 18558; plus strand). Cytogenetic location: 7q31.2.
Variant type: single nucleotide variant.
Coding change: c.194A>C on transcript NM_001753.5 (MANE Select); coding-DNA position 194, A replaced by C.
Protein change: p.Lys65Thr; replaces lysine 65 with threonine.
Molecular consequence: missense variant.
Genome position (GRCh38, 1-based): chr7:116,526,688, A>C. VCF-style: chr7-116526688-A-C. GRCh37 (hg19) VCF-style: chr7-116166742-A-C.
Other names: c.101A>C, p.Lys34Thr (NM_001172895.1, NM_001172896.2, NM_001172897.2); short protein forms K34T, K65T.
Identifiers: ClinVar variation 4868196 (VCV004868196.1).
Genomic context (GRCh38, chr7:116,526,688, plus strand): 5'-ACACCAAGGAGATCGACCTGGTCAACCGCGACCCTAAACACCTCAACGATGACGTGGTCA[A>C]GGTAAGCCAAGGCGACCAACAGGGAAGGGCTGGGACAGCTCTCCTCTGGCAGTTAGCCCG-3'
Protein context (NP_001744.2, residues 55-75): DPKHLNDDVV[Lys65Thr]IDFEDVIAEP

ClinVar aggregate classification (germline): Uncertain significance (1 of 4 stars; one submission).

Conditions:
Inborn genetic diseases. Identifiers: MedGen C0950123, MeSH D030342.

gnomAD v4.1: 1 of 1,614,126 alleles (0.000062%); no homozygotes.

Submission:

Ambry Genetics
Classification: Uncertain significance for Inborn genetic diseases. Last evaluated: 2026-05-10. Review status: criteria provided, single submitter. Criteria: Ambry Variant Classification Scheme 2023. Collection method: clinical testing. Allele origin: germline.
Comment: The c.194A>C (p.K65T) alteration is located in exon 2 (coding exon 2) of the CAV1 gene. This alteration results from a A to C substitution at nucleotide position 194, causing the lysine (K) at amino acid position 65 to be replaced by a threonine (T). Based on data from gnomAD, the C allele has an overall frequency of <0.001% (1/251048) total alleles studied. The highest observed frequency was 0.001% (1/113500) of European (non-Finnish) alleles. Based on insufficient or conflicting evidence, the clinical significance of this alteration remains unclear.